The following is an entry in ClinVar:

ClinVar aggregate classification (germline): Uncertain significance (1 of 4 stars; one submission).

Conditions:
Netherton syndrome (NETH). Also called: NETHERTON DISEASE; ERYTHRODERMA, ICHTHYOSIFORM, WITH HYPOTRICHOSIS AND HYPER-IgE; COMEL-NETHERTON SYNDROME. Identifiers: Orphanet 634, MedGen C5574950, MONDO:0009735, OMIM 256500.

Allele frequency attached by ClinVar (database versions not stated): gnomAD exomes below 0.00001; TOPMed below 0.00001.
gnomAD v4.1: 1 of 1,597,960 alleles (0.000063%); highest among the groups gnomAD compares: African/African-American, 0.0013%; no homozygotes.

Submission:

Labcorp Genetics (formerly Invitae), Labcorp
Classification: Uncertain significance for Netherton syndrome. Last evaluated: 2018-08-14. Review status: criteria provided, single submitter. Criteria: Invitae Variant Classification Sherloc (09022015). Collection method: clinical testing. Allele origin: germline.
Comment: This sequence change replaces aspartic acid with glycine at codon 844 of the SPINK5 protein (p.Asp844Gly). The aspartic acid residue is weakly conserved and there is a moderate physicochemical difference between aspartic acid and glycine. This variant is not present in population databases (ExAC no frequency). This variant has not been reported in the literature in individuals with SPINK5-related disease. Algorithms developed to predict the effect of missense changes on protein structure and function (SIFT, PolyPhen-2, Align-GVGD) all suggest that this variant is likely to be tolerated, but these predictions have not been confirmed by published functional studies and their clinical significance is uncertain. In summary, the available evidence is currently insufficient to determine the role of this variant in disease. Therefore, it has been classified as a Variant of Uncertain Significance.

NM_006846.4(SPINK5):c.2531A>G (p.Asp844Gly)

Gene: SPINK5 (serine peptidase inhibitor Kazal type 5; plus strand). Cytogenetic location: 5q32.
Variant type: single nucleotide variant.
Coding change: c.2531A>G on transcript NM_006846.4 (MANE Select); coding-DNA position 2531, A replaced by G.
Protein change: p.Asp844Gly; replaces aspartic acid 844 with glycine.
Molecular consequence: missense variant.
Genome position (GRCh38, 1-based): chr5:148,120,384, A>G. VCF-style: chr5-148120384-A-G. GRCh37 (hg19) VCF-style: chr5-147499947-A-G.
Other names: c.2531A>G, p.Asp844Gly (NM_001127698.2, NM_001127699.2); short protein forms D844G.
Identifiers: ClinVar variation 638858 (VCV000638858.1), dbSNP rs1468330376, ClinGen allele CA361646814.
Genomic context (GRCh38, chr5:148,120,384, plus strand): 5'-AAGAGGATGAAGACAGGAGCAATACAGGAGAAAGGAGCAATACAGGAGAAAGGAGCAATG[A>G]CAAAGAGGTAATAGATGTTAGACACGCTAATACCTGAATTCAGTTAGTTCATTGTATGGT-3'
Protein context (NP_006837.2, residues 834-854): ERSNTGERSN[Asp844Gly]KEDLCREFRS